The following is an entry in ClinVar:

NM_004360.5(CDH1):c.2296-17A>G

Gene: CDH1 (cadherin 1; plus strand). Cytogenetic location: 16q22.1.
Variant type: single nucleotide variant.
Coding change: c.2296-17A>G on transcript NM_004360.5 (MANE Select); 17 bases into the intron before coding-DNA position 2296, A replaced by G.
Molecular consequence: intron variant.
Genome position (GRCh38, 1-based): chr16:68,829,637, A>G. VCF-style: chr16-68829637-A-G. GRCh37 (hg19) VCF-style: chr16-68863540-A-G.
Other names: c.748-17A>G (NM_001317185.2); c.331-17A>G (NM_001317186.2); c.2113-17A>G (NM_001317184.2).
Identifiers: ClinVar variation 1406347 (VCV001406347.7), dbSNP rs2152142185, ClinGen allele CA2573152659.

ClinVar aggregate classification (germline): Uncertain significance. Review status: criteria provided, multiple submitters, no conflicts (2 of 4 stars). 2 submissions from 2 submitters: Uncertain significance (2). Last evaluated 2024-03-02.

Conditions:
Hereditary diffuse gastric adenocarcinoma (HDGC). Also called: DIFFUSE GASTRIC AND LOBULAR BREAST CANCER SYNDROME. Identifiers: Orphanet 26106, MedGen C1708349, MONDO:0007648, OMIM 137215.
Familial cancer of breast. Also called: Hereditary breast cancer; hereditary breast carcinoma; BREAST CANCER, FAMILIAL. Identifiers: Orphanet 227535, MedGen C0346153, MONDO:0016419, OMIM 114480. Disease mechanism: loss of function.

Submissions (2):

Labcorp Genetics (formerly Invitae), Labcorp
Classification: Uncertain significance for Hereditary diffuse gastric adenocarcinoma. Last evaluated: 2024-03-02. Review status: criteria provided, single submitter. Criteria: Invitae Variant Classification Sherloc (09022015). Collection method: clinical testing. Allele origin: germline.
Comment: This sequence change falls in intron 14 of the CDH1 gene. It does not directly change the encoded amino acid sequence of the CDH1 protein. This variant is not present in population databases (gnomAD no frequency). This variant has not been reported in the literature in individuals affected with CDH1-related conditions. ClinVar contains an entry for this variant (Variation ID: 1406347). Algorithms developed to predict the effect of sequence changes on RNA splicing suggest that this variant may disrupt the consensus splice site. In summary, the available evidence is currently insufficient to determine the role of this variant in disease. Therefore, it has been classified as a Variant of Uncertain Significance.

Baylor Genetics
Classification: Uncertain significance for Familial cancer of breast. Last evaluated: 2023-07-02. Review status: criteria provided, single submitter. Criteria: ACMG Guidelines, 2015. Collection method: clinical testing. Allele origin: unknown.